The following is an entry in ClinVar:

ClinVar aggregate classification (germline): Uncertain significance (1 of 4 stars; one submission).

Conditions:
Intellectual developmental disorder, autosomal recessive 3. Also called: Intellectual disability, autosomal recessive 3. Identifiers: Orphanet 88616, MedGen C1838023, MONDO:0012037, OMIM 608443.

gnomAD v4.1: 21 of 1,613,418 alleles (0.0013%); highest among the groups gnomAD compares: East Asian, 0.018%; no homozygotes.

Submission:

Daryl Scott Lab, Baylor College of Medicine
Classification: Uncertain significance for Intellectual developmental disorder, autosomal recessive 3. Last evaluated: 2024-01-01. Review status: criteria provided, single submitter. Criteria: ACMG Guidelines, 2015. Collection method: clinical testing. Allele origin: paternal. Observed: 1 heterozygote.
Comment: PM2, PP3

NM_017721.5(CC2D1A):c.2365C>T (p.Arg789Trp)

Gene: CC2D1A (coiled-coil and C2 domain containing 1A; plus strand). Cytogenetic location: 19p13.12.
Variant type: single nucleotide variant.
Coding change: c.2365C>T on transcript NM_017721.5 (MANE Select); coding-DNA position 2365, C replaced by T.
Protein change: p.Arg789Trp; replaces arginine 789 with tryptophan.
Molecular consequence: missense variant.
Genome position (GRCh38, 1-based): chr19:13,927,941, C>T. VCF-style: chr19-13927941-C-T. GRCh37 (hg19) VCF-style: chr19-14038754-C-T.
Other names: c.2365C>T, p.Arg789Trp (NM_001411138.1); short protein forms R789W.
Identifiers: ClinVar variation 3764632 (VCV003764632.1).